The following is an entry in ClinVar:

NM_173354.5(SIK1):c.1152C>G (p.Phe384Leu)

Gene: SIK1 (salt inducible kinase 1; minus strand). Cytogenetic location: 21q22.3.
Variant type: single nucleotide variant.
Coding change: c.1152C>G on transcript NM_173354.5 (MANE Select); coding-DNA position 1152, C replaced by G.
Protein change: p.Phe384Leu; replaces phenylalanine 384 with leucine.
Molecular consequence: missense variant.
Genome position (GRCh38, 1-based): chr21:43,419,446, G>C on the plus strand (C>G on the coding strand, the complement: SIK1 is on the minus strand). VCF-style: chr21-43419446-G-C. GRCh37 (hg19) VCF-style: chr21-44839326-G-C.
Other names: short protein forms F384L.
Identifiers: ClinVar variation 960169 (VCV000960169.10), dbSNP rs2081047778, ClinGen allele CA410608616.

ClinVar aggregate classification (germline): Uncertain significance (1 of 4 stars; one submission).

Conditions:
Developmental and epileptic encephalopathy, 30 (DEE30). Also called: Epileptic encephalopathy, early infantile, 30. Identifiers: MedGen C4225360, MONDO:0014595, OMIM 616341.

Submission:

Labcorp Genetics (formerly Invitae), Labcorp
Classification: Uncertain significance for Developmental and epileptic encephalopathy, 30. Last evaluated: 2024-10-29. Review status: criteria provided, single submitter. Criteria: Invitae Variant Classification Sherloc (09022015). Collection method: clinical testing. Allele origin: germline.
Comment: This sequence change replaces phenylalanine, which is neutral and non-polar, with leucine, which is neutral and non-polar, at codon 384 of the SIK1 protein (p.Phe384Leu). This variant is not present in population databases (gnomAD no frequency). This variant has not been reported in the literature in individuals affected with SIK1-related conditions. ClinVar contains an entry for this variant (Variation ID: 960169). Invitae Evidence Modeling of protein sequence and biophysical properties (such as structural, functional, and spatial information, amino acid conservation, physicochemical variation, residue mobility, and thermodynamic stability) indicates that this missense variant is not expected to disrupt SIK1 protein function with a negative predictive value of 95%. In summary, the available evidence is currently insufficient to determine the role of this variant in disease. Therefore, it has been classified as a Variant of Uncertain Significance.